The following is an entry in ClinVar:

NM_001286.5(CLCN6):c.1199G>A (p.Arg400Gln)

Gene: CLCN6 (Cl-/H+ antiporter 6; plus strand). Cytogenetic location: 1p36.22.
Variant type: single nucleotide variant.
Coding change: c.1199G>A on transcript NM_001286.5 (MANE Select); coding-DNA position 1199, G replaced by A.
Protein change: p.Arg400Gln; replaces arginine 400 with glutamine.
Molecular consequence: missense variant. On other transcripts: non-coding transcript variant (1).
Genome position (GRCh38, 1-based): chr1:11,829,273, G>A. VCF-style: chr1-11829273-G-A. GRCh37 (hg19) VCF-style: chr1-11889330-G-A.
Other names: c.1133G>A, p.Arg378Gln (NM_001256959.2); short protein forms R400Q, R378Q.
Identifiers: ClinVar variation 2740157 (VCV002740157.3), dbSNP rs781076012, ClinGen allele CA596388.

ClinVar aggregate classification (germline): Uncertain significance (1 of 4 stars; one submission).

Allele frequency attached by ClinVar (database versions not stated): ExAC 0.00005; gnomAD exomes 0.00001; gnomAD 0.00002; TOPMed 0.00002.
gnomAD v4.1: 24 of 1,614,006 alleles (0.0015%); highest among the groups gnomAD compares: Admixed American, 0.013%; no homozygotes.

Submission:

Labcorp Genetics (formerly Invitae), Labcorp
Classification: Uncertain significance. Last evaluated: 2025-11-10. Review status: criteria provided, single submitter. Criteria: Invitae Variant Classification Sherloc (09022015). Collection method: clinical testing. Allele origin: germline.
Comment: This sequence change replaces arginine, which is basic and polar, with glutamine, which is neutral and polar, at codon 400 of the CLCN6 protein (p.Arg400Gln). This variant is present in population databases (rs781076012, gnomAD 0.02%). This variant has not been reported in the literature in individuals affected with CLCN6-related conditions. ClinVar contains an entry for this variant (Variation ID: 2740157). An algorithm developed to predict the effect of missense changes on protein structure and function (PolyPhen-2) suggests that this variant is likely to be disruptive. In summary, the available evidence is currently insufficient to determine the role of this variant in disease. Therefore, it has been classified as a Variant of Uncertain Significance.